The following is an entry in ClinVar:

ClinVar aggregate classification (germline): Pathogenic. Review status: criteria provided, multiple submitters, no conflicts (2 of 4 stars). 19 submissions from 19 submitters: Pathogenic (16). 3 of the submissions do not count toward it. Last evaluated 2026-01-26.

Conditions:
Hereditary nonpolyposis colon cancer (HNPCC). Also called: Hereditary nonpolyposis colorectal cancer; Familial nonpolyposis colon cancer; Hereditary Nonpolyposis Colorectal Cancer Syndrome. Identifiers: Orphanet 443909, MedGen C1333990, MONDO:0018630. Disease mechanism: loss of function.
PMS2-related disorder. Also called: PMS2-related condition.
Hereditary nonpolyposis colorectal neoplasms. Identifiers: MedGen C0009405, MeSH D003123.
Hereditary cancer-predisposing syndrome. Also called: Neoplastic Syndromes, Hereditary; Hereditary Cancer Syndrome; Tumor predisposition; Hereditary neoplastic syndrome. Identifiers: Orphanet 140162, MedGen C0027672, MeSH D009386, MONDO:0015356.
Lynch syndrome. Identifiers: Orphanet 144, MedGen C4552100, MONDO:0005835. Disease mechanism: loss of function.
Lynch syndrome 4 (LYNCH4). Also called: Colorectal cancer, hereditary nonpolyposis, type 4; Hereditary non-polyposis colorectal cancer, type 4. Identifiers: Orphanet 144, MedGen C1838333, MONDO:0013699, OMIM 614337. Disease mechanism: loss of function.
Endometrial carcinoma. Also called: Endometrial carcinoma, somatic. Identifiers: MedGen C0476089, MONDO:0002447, OMIM 608089, HP:0012114.

Submissions 1 to 9 of 19:

Labcorp Genetics (formerly Invitae), Labcorp
Classification: Pathogenic for Hereditary nonpolyposis colorectal neoplasms. Last evaluated: 2026-01-26. Review status: criteria provided, single submitter. Criteria: Invitae Variant Classification Sherloc (09022015). Collection method: clinical testing. Allele origin: germline.
Comment: This sequence change creates a premature translational stop signal (p.Lys706Serfs*19) in the PMS2 gene. It is expected to result in an absent or disrupted protein product. Loss-of-function variants in PMS2 are known to be pathogenic (PMID: 21376568, 24362816). The frequency data for this variant in the population databases (gnomAD) is considered unreliable due to the presence of homologous sequence, such as pseudogenes or paralogs, in the genome. This premature translational stop signal has been observed in individual(s) with constitutional mismatch repair deficiency, Lynch syndrome, and/or ovarian cancer (PMID: 23012243, 25856668, 26110232, 26681312, 27001570, 27476653, 28135145, 30322717, 30680046). Invitae Evidence Modeling of clinical and family history, age, sex, and reported ancestry of multiple individuals with this PMS2 variant has been performed. This variant is expected to be pathogenic with a positive predictive value of at least 99%. This is a validated machine learning model that incorporates the clinical features of 1,627,235 individuals referred to our laboratory for PMS2 testing. ClinVar contains an entry for this variant (Variation ID: 142765). For these reasons, this variant has been classified as Pathogenic.

Mayo Clinic Laboratories, Mayo Clinic
Classification: Pathogenic. Last evaluated: 2025-05-27. Review status: criteria provided, single submitter. Criteria: ACMG Guidelines, 2015. Collection method: clinical testing. Allele origin: germline. Observed: 1 variant allele.
Comment: PP4_strong, PM2_supporting, PM3, PVS1

Ambry Genetics
Classification: Pathogenic for Hereditary cancer-predisposing syndrome. Last evaluated: 2025-04-25. Review status: criteria provided, single submitter. Criteria: Ambry Variant Classification Scheme 2023. Collection method: clinical testing. Allele origin: germline.
Comment: The c.2117delA pathogenic mutation, located in coding exon 12 of the PMS2 gene, results from a deletion of one nucleotide at nucleotide position 2117, causing a translational frameshift with a predicted alternate stop codon (p.K706Sfs*19). It has also been reported in multiple individuals from a Lynch syndrome family (Suerink M et al. Genet. Med. 2016 Apr;18:405-9). In addition, two siblings with diagnoses of constitutional mismatch repair (CMMRD) syndrome, both with recurrent diagnoses of glioblastoma multiforme, as well as caf&eacute;-au-lait spots, were found to be homozygous for this alteration (Bouffet E et al. J. Clin. Oncol. 2016 Jul;34:2206-11). In addition to the clinical data presented in the literature, this alteration is expected to result in loss of function by premature protein truncation or nonsense-mediated mRNA decay. As such, this alteration is interpreted as a disease-causing mutation.

Color Diagnostics, LLC DBA Color Health
Classification: Pathogenic for Hereditary cancer-predisposing syndrome. Last evaluated: 2025-02-19. Review status: criteria provided, single submitter. Criteria: ACMG Guidelines, 2015. Collection method: clinical testing. Allele origin: germline.
Comment: This variant deletes 1 nucleotide in exon 12 of the PMS2 gene, creating a frameshift and premature translation stop signal. This variant is expected to result in an absent or non-functional protein product. An RNA study has indicated that the variant transcript is not stably expressed (PMID: 26110232). This variant has been reported in individuals affected with Lynch syndrome (PMID: 23012243, 25856668, 26110232) and ovarian cancer (PMID: 26681312). This variant also have been detected in compound heterozygosity and in homozygosity in two individuals affect with constitutional mismatch repair deficiency syndrome (PMID: 27001570, 27476653). This variant has not been identified in the general population by the Genome Aggregation Database (gnomAD). Loss of PMS2 function is a known mechanism of disease. Based on the available evidence, this variant is classified as Pathogenic.

Blueprint Genetics
Classification: Pathogenic for PMS2-related disorders. Last evaluated: 2024-07-11. Review status: criteria provided, single submitter. Criteria: ACMG Guidelines, 2015. Collection method: clinical testing. Allele origin: germline. Affected: yes. Observed: 5 variant alleles.

Baylor Genetics
Classification: Pathogenic for Lynch syndrome 4. Last evaluated: 2024-02-22. Review status: criteria provided, single submitter. Criteria: ACMG Guidelines, 2015. Collection method: clinical testing. Allele origin: unknown.

Quest Diagnostics Nichols Institute San Juan Capistrano
Classification: Pathogenic. Last evaluated: 2024-02-02. Review status: criteria provided, single submitter. Criteria: Quest Diagnostics criteria. Collection method: clinical testing. Allele origin: unknown.
Comment: The PMS2 c.2117del (p.Lys706Serfs*19) variant alters the translational reading frame of the PMS2 mRNA and causes the premature termination of PMS2 protein synthesis. This variant has been reported in the published literature in individuals and/or families affected with Lynch syndrome (PMID: 26110232 (2016), 28135145 (2017), 31992580 (2020)), colorectal cancer (PMID: 25856668 (2015)), ovarian cancer (PMID: 26681312 (2015), 30322717 (2018)), and breast cancer (PMID: 32885271 (2021)). This variant has also been reported in a homozygous and compound heterozygous state in individuals affected with Constitutional mismatch repair deficiency (CMMRD) syndrome (PMID: 27001570 (2016), 34308104 (2021)). This variant has not been reported in large, multi-ethnic general populations (Genome Aggregation Database). Based on the available information, this variant is classified as pathogenic.

Myriad Genetics, Inc.
Classification: Pathogenic for Lynch syndrome 4. Last evaluated: 2023-09-21. Review status: criteria provided, single submitter. Criteria: Myriad Autosomal Dominant, Autosomal Recessive and X-Linked Classification Criteria (2023). Collection method: clinical testing. Allele origin: unknown.
Comment: This variant is considered pathogenic. This variant creates a frameshift predicted to result in premature protein truncation.

Women's Health and Genetics/Laboratory Corporation of America, LabCorp
Classification: Pathogenic for Hereditary nonpolyposis colon cancer. Last evaluated: 2022-10-17. Review status: criteria provided, single submitter. Criteria: LabCorp Variant Classification Summary - May 2015. Collection method: clinical testing. Allele origin: germline.
Comment: Variant summary: PMS2 c.2117delA (p.Lys706SerfsX19) results in a premature termination codon, predicted to cause a truncation of the encoded protein or absence of the protein due to nonsense mediated decay, which are commonly known mechanisms for disease. Truncations downstream of this position have been classified as pathogenic by our laboratory. The variant was absent in 226056 control chromosomes (gnomAD). Furthermore, the variant was detected in homozygous siblings and in another compound heterozygous individual affected with constitutional MMR deficiency (Adam_2016, Bouffet_2016). These data indicate that the variant is very likely to be associated with disease. Ten ClinVar submitters (evaluation after 2014) cite the variant as pathogenic. Based on the evidence outlined above, the variant was classified as pathogenic.

NM_000535.7(PMS2):c.2117del (p.Lys706fs)

Gene: PMS2 (PMS1 homolog 2, mismatch repair system component; minus strand). Cytogenetic location: 7p22.1.
Variant type: Deletion.
Coding change: c.2117del on transcript NM_000535.7 (MANE Select); coding-DNA position 2117, one base deleted (A; older notation c.2117delA).
Protein change: p.Lys706fs; shifts the reading frame from lysine 706.
Molecular consequence: frameshift variant. On other transcripts: non-coding transcript variant (1).
Genome position (GRCh38, 1-based): chr7:5,982,881, T deleted on the plus strand (A on the coding strand, the reverse complement: PMS2 is on the minus strand); the first of 2 consecutive T bases (chr7:5,982,881-5,982,882); deleting either gives the same sequence. VCF-style (leftmost placement, unchanged base first): chr7-5982880-CT-C. GRCh37 (hg19) VCF-style: chr7-6022511-CT-C.
Other names: p.Lys706Serfs*19; c.2117delA (NM_000535.7); c.2117del (NM_000535.6); c.1712del, p.Lys571fs (NM_001322003.2, NM_001322004.2, NM_001322005.2 and 1 more transcripts); c.1961del, p.Lys654fs (NM_001322006.2); c.1799del, p.Lys600fs (NM_001322007.2, NM_001322008.2); c.1556del, p.Lys519fs (NM_001322010.2); c.1184del, p.Lys395fs (NM_001322011.2, NM_001322012.2); and 3 more; short protein forms K519fs, K603fs, K515fs, K571fs, K600fs, K654fs, K706fs, K395fs.
Identifiers: ClinVar variation 142765 (VCV000142765.47), dbSNP rs587782704, ClinGen allele CA010865.